The following is an entry in ClinVar:

ClinVar aggregate classification (germline): Uncertain significance (1 of 4 stars; one submission).

Conditions:
Charcot-Marie-Tooth disease type 4. Also called: Charcot-Marie-Tooth disease, type IV; Charcot-Marie-Tooth, Type 4. Identifiers: Orphanet 64749, MedGen C4082197, MONDO:0018995.

Allele frequency attached by ClinVar (database versions not stated): gnomAD exomes below 0.00001; TOPMed 0.00002.
gnomAD v4.1: 1 of 1,587,026 alleles (0.000063%); no homozygotes.

Submission:

Labcorp Genetics (formerly Invitae), Labcorp
Classification: Uncertain significance for Charcot-Marie-Tooth disease type 4. Last evaluated: 2022-06-04. Review status: criteria provided, single submitter. Criteria: Invitae Variant Classification Sherloc (09022015). Collection method: clinical testing. Allele origin: germline.
Comment: This sequence change replaces serine, which is neutral and polar, with asparagine, which is neutral and polar, at codon 10 of the FIG4 protein (p.Ser10Asn). The frequency data for this variant in the population databases is considered unreliable, as metrics indicate poor data quality at this position in the gnomAD database. This variant has not been reported in the literature in individuals affected with FIG4-related conditions. ClinVar contains an entry for this variant (Variation ID: 1410893). Algorithms developed to predict the effect of missense changes on protein structure and function (SIFT, PolyPhen-2, Align-GVGD) all suggest that this variant is likely to be tolerated. In summary, the available evidence is currently insufficient to determine the role of this variant in disease. Therefore, it has been classified as a Variant of Uncertain Significance.

NM_014845.6(FIG4):c.29G>A (p.Ser10Asn)

Gene: FIG4 (FIG4 phosphoinositide 5-phosphatase; plus strand). Cytogenetic location: 6q21.
Variant type: single nucleotide variant.
Coding change: c.29G>A on transcript NM_014845.6 (MANE Select); coding-DNA position 29, G replaced by A.
Protein change: p.Ser10Asn; replaces serine 10 with asparagine.
Molecular consequence: missense variant.
Genome position (GRCh38, 1-based): chr6:109,691,464, G>A. VCF-style: chr6-109691464-G-A. GRCh37 (hg19) VCF-style: chr6-110012667-G-A.
Other names: short protein forms S10N.
Identifiers: ClinVar variation 1410893 (VCV001410893.5), dbSNP rs979929537, ClinGen allele CA145141215.